The following is an entry in ClinVar:

ClinVar aggregate classification (germline): Conflicting classifications of pathogenicity. Review status: criteria provided, conflicting classifications (1 of 4 stars). 6 submissions from 6 submitters: Uncertain significance (4); Likely benign (1). 1 of the submissions does not count toward it. Last evaluated 2026-05-11.

Conditions:
CEP290-related disorder. Also called: CEP290-related condition; CEP290-related disorders. Identifiers: MedGen CN239314.
Inborn genetic diseases. Identifiers: MedGen C0950123, MeSH D030342.
Joubert syndrome. Also called: Familial aplasia of the vermis; JOUBERT-BOLTSHAUSER SYNDROME. Identifiers: Orphanet 475, MedGen C5979921, MONDO:0018772.
Nephronophthisis. Also called: Juvenile Nephronophthisis. Identifiers: Orphanet 655, MedGen C0687120, MONDO:0019005, HP:0000090.
Meckel-Gruber syndrome. Also called: Dysencephalia splachnocystica; DYSENCEPHALIA SPLANCHNOCYSTICA; GRUBER SYNDROME. Identifiers: Orphanet 564, MedGen C0265215, MONDO:0018921.
Leber congenital amaurosis (LCA). Also called: Leber's amaurosis. Identifiers: Orphanet 65, MedGen C0339527, MeSH D057130, MONDO:0018998.

Allele frequency attached by ClinVar (database versions not stated): 1000 Genomes Project 30x 0.00031; ESP Exome Variant Server 0.00009; 1000 Genomes Project 0.00020.
gnomAD v4.1: 124 of 1,611,432 alleles (0.0077%); highest among the groups gnomAD compares: Non-Finnish European, 0.0098%; no homozygotes.

Submissions (6):

PreventionGenetics, part of Exact Sciences
Classification: Uncertain significance for CEP290-related condition. Last evaluated: 2026-05-11. Review status: criteria provided, single submitter. Criteria: ACMG Guidelines, 2015. Collection method: clinical testing. Allele origin: germline.
Comment: The CEP290 c.4682G>A variant is predicted to result in the amino acid substitution p.Arg1561His. To our knowledge, this variant has not been reported in the literature. This variant is reported in 0.0098% of alleles in individuals of South Asian descent in gnomAD and has conflicting classifications in ClinVar ranging from likely benign to uncertain (Variation ID: 1254201). At this time, the clinical significance of this variant is uncertain due to the absence of conclusive functional and genetic evidence.

Ambry Genetics
Classification: Likely benign for Inborn genetic diseases. Last evaluated: 2025-02-13. Review status: criteria provided, single submitter. Criteria: Ambry Variant Classification Scheme 2023. Collection method: clinical testing. Allele origin: germline.

Labcorp Genetics (formerly Invitae), Labcorp
Classification: Uncertain significance for Joubert syndrome; Meckel-Gruber syndrome; Nephronophthisis. Last evaluated: 2022-09-01. Review status: criteria provided, single submitter. Criteria: Invitae Variant Classification Sherloc (09022015). Collection method: clinical testing. Allele origin: germline.
Comment: This sequence change replaces arginine, which is basic and polar, with histidine, which is basic and polar, at codon 1561 of the CEP290 protein (p.Arg1561His). This variant is present in population databases (rs371157150, gnomAD 0.01%). This variant has not been reported in the literature in individuals affected with CEP290-related conditions. ClinVar contains an entry for this variant (Variation ID: 1254201). Algorithms developed to predict the effect of missense changes on protein structure and function output the following: SIFT: "Tolerated"; PolyPhen-2: "Benign"; Align-GVGD: "Class C0". The histidine amino acid residue is found in multiple mammalian species, which suggests that this missense change does not adversely affect protein function. In summary, the available evidence is currently insufficient to determine the role of this variant in disease. Therefore, it has been classified as a Variant of Uncertain Significance.

Women's Health and Genetics/Laboratory Corporation of America, LabCorp
Classification: Uncertain significance. Last evaluated: 2022-05-17. Review status: criteria provided, single submitter. Criteria: LabCorp Variant Classification Summary - May 2015. Collection method: clinical testing. Allele origin: germline.
Comment: Variant summary: CEP290 c.4682G>A (p.Arg1561His) results in a non-conservative amino acid change in the encoded protein sequence. Four of five in-silico tools predict a benign effect of the variant on protein function. The variant allele was found at a frequency of 4.8e-05 in 248656 control chromosomes (gnomAD). This frequency is not significantly higher than expected for a pathogenic variant in CEP290 causing Meckel Syndrome Type 4 (4.8e-05 vs 0.0011), allowing no conclusion about variant significance. To our knowledge, no occurrence of c.4682G>A in individuals affected with Meckel Syndrome Type 4 and no experimental evidence demonstrating its impact on protein function have been reported. Two ClinVar submitters have assessed the variant since 2014: both classified the variant as of uncertain significance. Based on the evidence outlined above, the variant was classified as uncertain significance.

GeneDx
Classification: Uncertain significance. Last evaluated: 2021-08-11. Review status: criteria provided, single submitter. Criteria: GeneDx Variant Classification Process June 2021. Collection method: clinical testing. Allele origin: germline. Affected: yes.
Comment: Not observed at a significant frequency in large population cohorts (Lek et al., 2016); In silico analysis, which includes protein predictors and evolutionary conservation, supports that this variant does not alter protein structure/function; Has not been previously published as pathogenic or benign to our knowledge

Natera, Inc.
Classification: Uncertain significance for Leber congenital amaurosis. Last evaluated: 2020-02-13. Review status: no assertion criteria provided. Collection method: clinical testing. Allele origin: germline. Not counted in ClinVar's aggregate classification.

NM_025114.4(CEP290):c.4682G>A (p.Arg1561His)

Gene: CEP290 (centrosomal protein 290; minus strand). Cytogenetic location: 12q21.32.
Variant type: single nucleotide variant.
Coding change: c.4682G>A on transcript NM_025114.4 (MANE Select); coding-DNA position 4682, G replaced by A.
Protein change: p.Arg1561His; replaces arginine 1561 with histidine.
Molecular consequence: missense variant.
Genome position (GRCh38, 1-based): chr12:88,084,608, C>T on the plus strand (G>A on the coding strand, the complement: CEP290 is on the minus strand). VCF-style: chr12-88084608-C-T. GRCh37 (hg19) VCF-style: chr12-88478385-C-T.
Other names: short protein forms R1561H.
Identifiers: ClinVar variation 1254201 (VCV001254201.11), dbSNP rs371157150, ClinGen allele CA6711892.
Genomic context (GRCh38, chr12:88,084,608, plus strand): 5'-TAATGGATAACAGCATAACTCATAATATAATAAAATACCTCTCTGGCTTTTTCTAGAAGA[C>T]GTTGATACTTCTTTAATACTTCTTCTTTTTGATTTAACCTTGCTTGCATGTTTGCAATGG-3'
Protein context (NP_079390.3, residues 1551-1571): QKEEVLKKYQ[Arg1561His]LLEKAREEQR